The following is an entry in ClinVar:

NM_006904.7(PRKDC):c.8551T>C (p.Phe2851Leu)

Gene: PRKDC (protein kinase, DNA-activated, catalytic subunit; minus strand). Cytogenetic location: 8q11.21.
Variant type: single nucleotide variant.
Coding change: c.8551T>C on transcript NM_006904.7 (MANE Select); coding-DNA position 8551, T replaced by C.
Protein change: p.Phe2851Leu; replaces phenylalanine 2851 with leucine.
Molecular consequence: missense variant.
Genome position (GRCh38, 1-based): chr8:47,828,194, A>G on the plus strand (T>C on the coding strand, the complement: PRKDC is on the minus strand). VCF-style: chr8-47828194-A-G. GRCh37 (hg19) VCF-style: chr8-48740755-A-G.
Other names: c.8551T>C, p.Phe2851Leu (NM_001081640.2); short protein forms F2851L.
Identifiers: ClinVar variation 3425265 (VCV003425265.1).
Genomic context (GRCh38, chr8:47,828,194, plus strand): 5'-AATGTATATTTGATGAAGTGTGTGCAGACTTTACCTGAATACAAGAGACAAAGGGTGGAA[A>G]GAAAGAGAAGGTGGTATTAAGAAAACGATTGAAGTCTTGAAGCAACTTTTGAGTGATGTT-3'
Protein context (NP_008835.5, residues 2841-2861): NRFLNTTFSF[Phe2851Leu]PPFVSCIQDI

ClinVar aggregate classification (germline): Uncertain significance (1 of 4 stars; one submission).

Submission:

Ambry Genetics
Classification: Uncertain significance. Last evaluated: 2024-07-02. Review status: criteria provided, single submitter. Criteria: Ambry Variant Classification Scheme 2023. Collection method: clinical testing. Allele origin: germline.
Comment: The p.F2851L variant (also known as c.8551T>C), located in coding exon 62 of the PRKDC gene, results from a T to C substitution at nucleotide position 8551. The phenylalanine at codon 2851 is replaced by leucine, an amino acid with highly similar properties. This amino acid position is conserved. In addition, this alteration is predicted to be deleterious by in silico analysis. Based on the available evidence, the clinical significance of this variant remains unclear.